The following is an entry in ClinVar:

NM_015141.4(GPD1L):c.745G>C (p.Val249Leu)

Gene: GPD1L (glycerol-3-phosphate dehydrogenase 1 like; plus strand). Cytogenetic location: 3p22.3.
Variant type: single nucleotide variant.
Coding change: c.745G>C on transcript NM_015141.4 (MANE Select); coding-DNA position 745, G replaced by C.
Protein change: p.Val249Leu; replaces valine 249 with leucine.
Molecular consequence: missense variant.
Genome position (GRCh38, 1-based): chr3:32,159,002, G>C. VCF-style: chr3-32159002-G-C. GRCh37 (hg19) VCF-style: chr3-32200494-G-C.
Other names: short protein forms V249L.
Identifiers: ClinVar variation 344727 (VCV000344727.8), dbSNP rs148464224, ClinGen allele CA2296733.

ClinVar aggregate classification (germline): Uncertain significance. Review status: criteria provided, multiple submitters, no conflicts (2 of 4 stars). 2 submissions from 2 submitters: Uncertain significance (2). Last evaluated 2024-08-28.

Conditions:
Brugada syndrome. Also called: Sudden unexpected nocturnal death syndrome; Sudden unexplained nocturnal death syndrome; Sudden Unexplained Death Syndrome; Sudden Unexplained Nocturnal Death Syndrome (SUNDS). Identifiers: Orphanet 130, MedGen C1142166, MONDO:0015263.
Cardiovascular phenotype. Identifiers: MedGen CN230736.

Allele frequency attached by ClinVar (database versions not stated): ExAC 0.00001; ESP Exome Variant Server 0.00008.
gnomAD v4.1: 56 of 1,613,998 alleles (0.0035%); highest among the groups gnomAD compares: Non-Finnish European, 0.0047%; no homozygotes.

Submissions (2):

Ambry Genetics
Classification: Uncertain significance for Cardiovascular phenotype. Last evaluated: 2024-08-28. Review status: criteria provided, single submitter. Criteria: Ambry Variant Classification Scheme 2023. Collection method: clinical testing. Allele origin: germline.
Comment: The p.V249L variant (also known as c.745G>C), located in coding exon 6 of the GPD1L gene, results from a G to C substitution at nucleotide position 745. The valine at codon 249 is replaced by leucine, an amino acid with highly similar properties. This amino acid position is conserved. In addition, the in silico prediction for this alteration is inconclusive. Since supporting evidence is limited at this time, the clinical significance of this alteration remains unclear.

Labcorp Genetics (formerly Invitae), Labcorp
Classification: Uncertain significance for Brugada syndrome. Last evaluated: 2024-07-31. Review status: criteria provided, single submitter. Criteria: Invitae Variant Classification Sherloc (09022015). Collection method: clinical testing. Allele origin: germline.
Comment: This sequence change replaces valine, which is neutral and non-polar, with leucine, which is neutral and non-polar, at codon 249 of the GPD1L protein (p.Val249Leu). This variant is present in population databases (rs148464224, gnomAD 0.004%). This variant has not been reported in the literature in individuals affected with GPD1L-related conditions. ClinVar contains an entry for this variant (Variation ID: 344727). An algorithm developed to predict the effect of missense changes on protein structure and function (PolyPhen-2) suggests that this variant is likely to be disruptive. In summary, the available evidence is currently insufficient to determine the role of this variant in disease. Therefore, it has been classified as a Variant of Uncertain Significance.